The following is an entry in ClinVar:

NM_001130987.2(DYSF):c.2679G>C (p.Leu893=)

Gene: DYSF (dysferlin; plus strand). Cytogenetic location: 2p13.2.
Variant type: single nucleotide variant.
Coding change: c.2679G>C on transcript NM_001130987.2 (MANE Select); coding-DNA position 2679, G replaced by C.
Protein change: p.Leu893=; no amino-acid change (leucine 893 retained).
Molecular consequence: synonymous variant.
Genome position (GRCh38, 1-based): chr2:71,568,064, G>C. VCF-style: chr2-71568064-G-C. GRCh37 (hg19) VCF-style: chr2-71795194-G-C.
Other names: c.2628G>C, p.Leu876= (NM_001130455.2, NM_001130983.2); c.2583G>C, p.Leu861= (NM_001130976.2, NM_001130977.2); c.2625G>C, p.Leu875= (NM_001130978.2, NM_003494.4); c.2718G>C, p.Leu906= (NM_001130979.2); c.2676G>C, p.Leu892= (NM_001130980.2, NM_001130981.2); c.2721G>C, p.Leu907= (NM_001130982.2); c.2586G>C, p.Leu862= (NM_001130984.2, NM_001130986.2); c.2679G>C, p.Leu893= (NM_001130985.2); and 1 more.
Identifiers: ClinVar variation 1103039 (VCV001103039.11), dbSNP rs907000231, ClinGen allele CA49744729.
Genomic context (GRCh38, chr2:71,568,064, plus strand): 5'-GCTGTGGTTTGGGCTCTCAGTGGATGAGAAGGAGTTCAACCAGTTTGCTGAGGGGAAGCT[G>C]TCTGTCTTTGCTGAAACCGTGAGTACCTGCCAGCCCCCACCTCTGCCTCCCACTACCTGG-3'
Protein context (NP_001124459.1, residues 883-903): KEFNQFAEGK[Leu893=]SVFAETYENE

ClinVar aggregate classification (germline): Likely benign. Review status: criteria provided, single submitter (1 of 4 stars). 2 submissions from 2 submitters: Likely benign (1). 1 of the submissions does not count toward it. Last evaluated 2023-05-23.

Conditions:
DYSF-related disorder. Also called: DYSF-related disorders; DYSF-related condition.
Neuromuscular disease caused by qualitative or quantitative defects of dysferlin. Also called: Dysferlinopathy; Qualitative or quantitative defects of dysferlin. Identifiers: Orphanet 207073, MedGen C2931687, MONDO:0016145.

Allele frequency attached by ClinVar (database versions not stated): gnomAD exomes 0.00001; TOPMed 0.00002; gnomAD 0.00004 and 0.00005.
gnomAD v4.1: 15 of 1,614,078 alleles (0.00093%); highest among the groups gnomAD compares: African/African-American, 0.017%; no homozygotes.

Submissions (2):

Labcorp Genetics (formerly Invitae), Labcorp
Classification: Likely benign for Neuromuscular disease caused by qualitative or quantitative defects of dysferlin. Last evaluated: 2023-05-23. Review status: criteria provided, single submitter. Criteria: Invitae Variant Classification Sherloc (09022015). Collection method: clinical testing. Allele origin: germline.

PreventionGenetics, part of Exact Sciences
Classification: Likely benign for DYSF-related condition. Last evaluated: 2023-05-22. Review status: no assertion criteria provided. Collection method: clinical testing. Allele origin: germline. Not counted in ClinVar's aggregate classification.
Comment: This variant is classified as likely benign based on ACMG/AMP sequence variant interpretation guidelines (Richards et al. 2015 PMID: 25741868, with internal and published modifications).